The following is an entry in ClinVar:

ClinVar aggregate classification (germline): Uncertain significance. Review status: criteria provided, multiple submitters, no conflicts (2 of 4 stars). 2 submissions from 2 submitters: Uncertain significance (2). Last evaluated 2023-06-29.

Allele frequency attached by ClinVar (database versions not stated): gnomAD 0.00001; gnomAD exomes 0.00001 and 0.00004; TOPMed 0.00001; ExAC 0.00004.
gnomAD v4.1: 21 of 1,614,014 alleles (0.0013%); highest among the groups gnomAD compares: South Asian, 0.0099%; no homozygotes.

Submissions (2):

Labcorp Genetics (formerly Invitae), Labcorp
Classification: Uncertain significance. Last evaluated: 2023-06-29. Review status: criteria provided, single submitter. Criteria: Invitae Variant Classification Sherloc (09022015). Collection method: clinical testing. Allele origin: germline.
Comment: This sequence change replaces alanine, which is neutral and non-polar, with threonine, which is neutral and polar, at codon 2223 of the ANK3 protein (p.Ala2223Thr). This variant is present in population databases (rs761206620, gnomAD 0.02%). This variant has not been reported in the literature in individuals affected with ANK3-related conditions. ClinVar contains an entry for this variant (Variation ID: 423414). Advanced modeling of protein sequence and biophysical properties (such as structural, functional, and spatial information, amino acid conservation, physicochemical variation, residue mobility, and thermodynamic stability) performed at Invitae indicates that this missense variant is not expected to disrupt ANK3 protein function. In summary, the available evidence is currently insufficient to determine the role of this variant in disease. Therefore, it has been classified as a Variant of Uncertain Significance.

GeneDx
Classification: Uncertain significance. Last evaluated: 2018-07-20. Review status: criteria provided, single submitter. Criteria: GeneDx Variant Classification (06012015). Collection method: clinical testing. Allele origin: germline. Affected: yes.
Comment: The A2223T variant in the ANK3 gene has not been reported previously as a pathogenic variant, nor as a benign variant, to our knowledge. The A2223T variant is not observed at a significant frequency in large population cohorts (Lek et al., 2016; 1000 Genomes Consortium et al., 2015; Exome Variant Server). The A2223T variant is a non-conservative amino acid substitution, which is likely to impact secondary protein structure as these residues differ in polarity, charge, size and/or other properties. This substitution occurs at a position where amino acids with similar properties to Alanine are tolerated across species. In silico analysis is inconsistent in its predictions as to whether or not the variant is damaging to the protein structure/function. We interpret A2223T as a variant of uncertain significance

NM_020987.5(ANK3):c.6667G>A (p.Ala2223Thr)

Gene: ANK3 (ankyrin 3; minus strand). Cytogenetic location: 10q21.2.
Variant type: single nucleotide variant.
Coding change: c.6667G>A on transcript NM_020987.5 (MANE Select); coding-DNA position 6667, G replaced by A.
Protein change: p.Ala2223Thr; replaces alanine 2223 with threonine.
Molecular consequence: missense variant. On other transcripts: intron variant (4).
Genome position (GRCh38, 1-based): chr10:60,074,214, C>T on the plus strand (G>A on the coding strand, the complement: ANK3 is on the minus strand). VCF-style: chr10-60074214-C-T. GRCh37 (hg19) VCF-style: chr10-61833972-C-T.
Other names: c.4388-6205G>A (NM_001204403.2); c.4409-6205G>A (NM_001204404.2); c.4406-6205G>A (NM_001320874.2); c.1808-6205G>A (NM_001149.4); short protein forms A2223T.
Identifiers: ClinVar variation 423414 (VCV000423414.10), dbSNP rs761206620, ClinGen allele CA5511841.